The following is an entry in ClinVar:

ClinVar aggregate classification (germline): Uncertain significance (1 of 4 stars; one submission).

Submission:

Labcorp Genetics (formerly Invitae), Labcorp
Classification: Uncertain significance. Last evaluated: 2022-03-28. Review status: criteria provided, single submitter. Criteria: Invitae Variant Classification Sherloc (09022015). Collection method: clinical testing. Allele origin: germline.
Comment: In summary, the available evidence is currently insufficient to determine the role of this variant in disease. Therefore, it has been classified as a Variant of Uncertain Significance. Algorithms developed to predict the effect of missense changes on protein structure and function are either unavailable or do not agree on the potential impact of this missense change (SIFT: "Deleterious"; PolyPhen-2: "Possibly Damaging"; Align-GVGD: "Class C0"). ClinVar contains an entry for this variant (Variation ID: 662471). This variant has not been reported in the literature in individuals affected with POLE-related conditions. This variant is not present in population databases (gnomAD no frequency). This sequence change replaces glycine, which is neutral and non-polar, with valine, which is neutral and non-polar, at codon 1378 of the POLE protein (p.Gly1378Val).

NM_006231.4(POLE):c.4133G>T (p.Gly1378Val)

Gene: POLE (DNA polymerase epsilon, catalytic subunit; minus strand). Cytogenetic location: 12q24.33.
Variant type: single nucleotide variant.
Coding change: c.4133G>T on transcript NM_006231.4 (MANE Select); coding-DNA position 4133, G replaced by T.
Protein change: p.Gly1378Val; replaces glycine 1378 with valine.
Molecular consequence: missense variant.
Genome position (GRCh38, 1-based): chr12:132,648,945, C>A on the plus strand (G>T on the coding strand, the complement: POLE is on the minus strand). VCF-style: chr12-132648945-C-A. GRCh37 (hg19) VCF-style: chr12-133225531-C-A.
Other names: short protein forms G1378V.
Identifiers: ClinVar variation 662471 (VCV000662471.8), dbSNP rs1593748424, ClinGen allele CA387383613.